The following is an entry in ClinVar:

NM_014516.4(CNOT3):c.76dup (p.Glu26fs)

Gene: CNOT3 (CCR4-NOT transcription complex subunit 3; plus strand). Cytogenetic location: 19q13.42.
Variant type: Duplication.
Coding change: c.76dup on transcript NM_014516.4 (MANE Select); coding-DNA position 76, one base duplicated (G; older notation c.76dupG).
Protein change: p.Glu26fs; shifts the reading frame from glutamic acid 26.
Molecular consequence: frameshift variant.
Genome position (GRCh38, 1-based): chr19:54,143,169, G duplicated. VCF-style (leftmost placement, unchanged base first): chr19-54143168-T-TG. GRCh37 (hg19) VCF-style: chr19-54646904-T-TG.
Other names: short protein forms E26fs.
Identifiers: ClinVar variation 2526437 (VCV002526437.2), dbSNP rs2517168002, ClinGen allele CA2580614970.

ClinVar aggregate classification (germline): Pathogenic (1 of 4 stars; one submission).

Conditions:
Inborn genetic diseases. Identifiers: MedGen C0950123, MeSH D030342.

Submission:

Ambry Genetics
Classification: Pathogenic for Inborn genetic diseases. Last evaluated: 2023-04-28. Review status: criteria provided, single submitter. Criteria: Ambry Variant Classification Scheme 2023. Collection method: clinical testing. Allele origin: germline.
Comment: The c.76dupG (p.E26Gfs*20) alteration, located in exon 3 (coding exon 2) of the CNOT3 gene, consists of a duplication of G at position 76, causing a translational frameshift with a predicted alternate stop codon after 20 amino acids. This alteration is expected to result in loss of function by premature protein truncation or nonsense-mediated mRNA decay. This variant was not reported in population-based cohorts in the Genome Aggregation Database (gnomAD). Based on the available evidence, this alteration is classified as pathogenic.